The following is an entry in ClinVar:

ClinVar aggregate classification (germline): Likely benign. Review status: criteria provided, single submitter (1 of 4 stars). 2 submissions from 2 submitters: Likely benign (1). 1 of the submissions does not count toward it. Last evaluated 2026-01-27.

Conditions:
5-Oxoprolinase deficiency (OPLAHD). Also called: 5-OXOPROLINURIA DUE TO 5-OXOPROLINASE DEFICIENCY. Identifiers: Orphanet 33572, MedGen C0268525, MONDO:0009825, OMIM 260005, HP:0040142.
OPLAH-related disorder. Also called: OPLAH-related condition.

Allele frequency attached by ClinVar (database versions not stated): gnomAD exomes 0.00017; ExAC 0.00055; 1000 Genomes Project 30x 0.00141; ESP Exome Variant Server 0.00146; 1000 Genomes Project 0.00180.
gnomAD v4.1: 514 of 1,596,732 alleles (0.032%); highest among the groups gnomAD compares: African/African-American, 0.6%; 6 homozygotes.

Submissions (2):

Labcorp Genetics (formerly Invitae), Labcorp
Classification: Likely benign for 5-Oxoprolinase deficiency. Last evaluated: 2026-01-27. Review status: criteria provided, single submitter. Criteria: Invitae Variant Classification Sherloc (09022015). Collection method: clinical testing. Allele origin: germline.

PreventionGenetics, part of Exact Sciences
Classification: Likely benign for OPLAH-related condition. Last evaluated: 2019-09-18. Review status: no assertion criteria provided. Collection method: clinical testing. Allele origin: germline. Not counted in ClinVar's aggregate classification.
Comment: This variant is classified as likely benign based on ACMG/AMP sequence variant interpretation guidelines (Richards et al. 2015 PMID: 25741868, with internal and published modifications).

NM_017570.5(OPLAH):c.2665G>A (p.Gly889Arg)

Gene: OPLAH (5-oxoprolinase, ATP-hydrolysing; minus strand). Cytogenetic location: 8q24.3.
Variant type: single nucleotide variant.
Coding change: c.2665G>A on transcript NM_017570.5 (MANE Select); coding-DNA position 2665, G replaced by A.
Protein change: p.Gly889Arg; replaces glycine 889 with arginine.
Molecular consequence: missense variant.
Genome position (GRCh38, 1-based): chr8:144,054,582, C>T on the plus strand (G>A on the coding strand, the complement: OPLAH is on the minus strand). VCF-style: chr8-144054582-C-T. GRCh37 (hg19) VCF-style: chr8-145109485-C-T.
Other names: c.2665G>A (NM_017570.4); short protein forms G889R.
Identifiers: ClinVar variation 2048940 (VCV002048940.6), dbSNP rs149290437, ClinGen allele CA4931385.
Genomic context (GRCh38, chr8:144,054,582, plus strand): 5'-CAGCCTACAGAAGGCCTGCCCCACCCCACTCCCACTCACCCTCCTCCTGGAAGACGCCCC[C>T]CTGGACAAGTTTGAAGGACAGAAAGACGGCACCCTCCTGTTGCAGCATGGTGGAGTGGGG-3'
Protein context (NP_060040.1, residues 879-899): AVFLSFKLVQ[Gly889Arg]GVFQEEAVTE